The following is an entry in ClinVar:

ClinVar aggregate classification (germline): Benign/Likely benign. Review status: criteria provided, multiple submitters, no conflicts (2 of 4 stars). 10 submissions from 10 submitters: Benign (1); Likely benign (7). 2 of the submissions do not count toward it. Last evaluated 2026-01-13.

Conditions:
BRIP1-related disorder. Also called: BRIP1-related condition; BRIP1-related disorders. Identifiers: MedGen CN239206.
Hereditary cancer-predisposing syndrome. Also called: Tumor predisposition; Hereditary Cancer Syndrome; Hereditary neoplastic syndrome; Neoplastic Syndromes, Hereditary. Identifiers: Orphanet 140162, MedGen C0027672, MeSH D009386, MONDO:0015356.
Familial cancer of breast. Also called: BREAST CANCER, FAMILIAL; hereditary breast carcinoma; Hereditary breast cancer. Identifiers: Orphanet 227535, MedGen C0346153, MONDO:0016419, OMIM 114480. Disease mechanism: loss of function.
Fanconi anemia complementation group J. Also called: BRIP1-Related Fanconi Anemia. Identifiers: Orphanet 84, MedGen C1836860, MONDO:0012187, OMIM 609054.
Malignant tumor of breast. Also called: Cancer breast; Malignant breast neoplasm. Identifiers: MedGen C0006142, MONDO:0007254. Disease mechanism: loss of function.

Allele frequency attached by ClinVar (database versions not stated): ExAC 0.00003; TOPMed 0.00003; gnomAD 0.00004; gnomAD exomes 0.00004 and 0.00007.
gnomAD v4.1: 100 of 1,612,254 alleles (0.0062%); highest among the groups gnomAD compares: Non-Finnish European, 0.0078%; no homozygotes.

Submissions (10):

Labcorp Genetics (formerly Invitae), Labcorp
Classification: Likely benign for Familial cancer of breast; Fanconi anemia complementation group J. Last evaluated: 2026-01-13. Review status: criteria provided, single submitter. Criteria: Invitae Variant Classification Sherloc (09022015). Collection method: clinical testing. Allele origin: germline.

Quest Diagnostics Nichols Institute San Juan Capistrano
Classification: Likely benign. Last evaluated: 2025-02-18. Review status: criteria provided, single submitter. Criteria: Quest Diagnostics criteria. Collection method: clinical testing. Allele origin: unknown.

Myriad Genetics, Inc.
Classification: Benign for Familial cancer of breast. Last evaluated: 2024-08-09. Review status: criteria provided, single submitter. Criteria: Myriad Autosomal Dominant, Autosomal Recessive and X-Linked Classification Criteria (2023). Collection method: clinical testing. Allele origin: unknown.
Comment: This variant is considered benign. This variant is a silent/synonymous amino acid change and it is not expected to impact splicing.

ARUP Laboratories, Molecular Genetics and Genomics, ARUP Laboratories
Classification: Likely benign. Last evaluated: 2023-08-23. Review status: criteria provided, single submitter. Criteria: ARUP Molecular Germline Variant Investigation Process 2024. Collection method: clinical testing. Allele origin: germline.

Sema4
Classification: Likely benign for Hereditary cancer-predisposing syndrome. Last evaluated: 2021-12-01. Review status: criteria provided, single submitter. Criteria: Sema4 Curation Guidelines. Collection method: curation. Allele origin: germline.

GeneDx
Classification: Likely benign. Last evaluated: 2021-11-01. Review status: criteria provided, single submitter. Criteria: GeneDx Variant Classification Process June 2021. Collection method: clinical testing. Allele origin: germline. Affected: yes.
Comment: This variant is associated with the following publications: (PMID: 29361001)

Ambry Genetics
Classification: Likely benign for Hereditary cancer-predisposing syndrome. Last evaluated: 2019-06-14. Review status: criteria provided, single submitter. Criteria: Ambry Variant Classification Scheme 2023. Collection method: clinical testing. Allele origin: germline.

Color Diagnostics, LLC DBA Color Health
Classification: Likely benign for Hereditary cancer-predisposing syndrome. Last evaluated: 2015-04-27. Review status: criteria provided, single submitter. Criteria: ACMG Guidelines, 2015. Collection method: clinical testing. Allele origin: germline.

PreventionGenetics, part of Exact Sciences
Classification: Likely benign for BRIP1-related condition. Last evaluated: 2019-06-28. Review status: no assertion criteria provided. Collection method: clinical testing. Allele origin: germline. Not counted in ClinVar's aggregate classification.
Comment: This variant is classified as likely benign based on ACMG/AMP sequence variant interpretation guidelines (Richards et al. 2015 PMID: 25741868, with internal and published modifications).

Department of Pathology and Laboratory Medicine, Sinai Health System
Classification: Likely benign for Malignant tumor of breast. Review status: no assertion criteria provided. Collection method: clinical testing. Allele origin: unknown. Affected: yes. Study: The Canadian Open Genetics Repository (COGR). Not counted in ClinVar's aggregate classification.
Comment: The BRIP1 p.Pro23= variant was not identified in the literature nor was it identified in the Cosmic, and Zhejiang Colon Cancer Database. The variant was identified in dbSNP (ID: rs45458996) â€šÃ„ÃºWith Likely benign alleleâ€šÃ„Ã¹, ClinVar (classified as likely benign by Ambry Genetics, GeneDx and Invitae), Clinvitae (3x) and in control databases in 11 of 246076 chromosomes at a frequency of 0.00005 increasing the likelihood this could be a low frequency variant (Genome Aggregation Consortium Feb 27, 2017). Breakdown of the observations by population include African in 1 of 15298 chromosomes (freq: 0.00007), European Non-Finnish in 7 of 111610 chromosomes (freq: 0.00006), and South Asian in 3 of 30778 chromosomes (frequency: 0.0001) while the variant was not observed in the African, Latino, Ashkenazi Jewish, East Asian, and European Finnish, populations. The p.Pro23= variant is not expected to have clinical significance because it does not result in a change of amino acid and is not located in a known consensus splice site. In addition, in silico or computational prediction software programs (SpliceSiteFinder, MaxEntScan, NNSPLICE, GeneSplicer, HumanSpliceFinder) do not predict a difference in splicing. In summary, based on the above information the clinical significance of this variant cannot be determined with certainty at this time although we would lean towards a more benign role for this variant. This variant is classified as likely benign.

Literature cited by the submitters: PubMed 31854063 (cited by Quest Diagnostics Nichols Institute San Juan Capistrano).

NM_032043.3(BRIP1):c.69G>A (p.Pro23=)

Gene: BRIP1 (BRCA1 interacting DNA helicase 1; minus strand). Cytogenetic location: 17q23.2.
Variant type: single nucleotide variant.
Coding change: c.69G>A on transcript NM_032043.3 (MANE Select); coding-DNA position 69, G replaced by A.
Protein change: p.Pro23=; no amino-acid change (proline 23 retained).
Molecular consequence: synonymous variant.
Genome position (GRCh38, 1-based): chr17:61,861,471, C>T on the plus strand (G>A on the coding strand, the complement: BRIP1 is on the minus strand). VCF-style: chr17-61861471-C-T. GRCh37 (hg19) VCF-style: chr17-59938832-C-T.
Identifiers: ClinVar variation 183991 (VCV000183991.30), dbSNP rs45458996, ClinGen allele CA187415.